The following is an entry in ClinVar:

NM_001048174.2(MUTYH):c.1434+2del

Gene: MUTYH (mutY DNA glycosylase; minus strand). Cytogenetic location: 1p34.1.
Variant type: Deletion.
Coding change: c.1434+2del on transcript NM_001048174.2 (MANE Select); the canonical splice donor site of the intron after coding-DNA position 1434, one base deleted (T; older notation c.1434+2delT).
Molecular consequence: splice donor variant.
Genome position (GRCh38, 1-based): chr1:45,330,514, A deleted on the plus strand (T on the coding strand, the reverse complement: MUTYH is on the minus strand). VCF-style (leftmost placement, unchanged base first): chr1-45330513-TA-T. GRCh37 (hg19) VCF-style: chr1-45796185-TA-T.
Other names: c.1518+2delT (NM_001128425.1); c.1434+2del (NM_001407072.1, NM_001407073.1, NM_001048171.2 and 6 more transcripts); c.1089+2del (NM_001350651.2, NM_001350650.2, NM_001407082.1); c.1158+2del (NM_001293192.2, NM_001293196.2, NM_001407091.1); c.1479+2del (NM_001293190.2); c.1467+2del (NM_001407069.1, NM_001407077.1, NM_001293191.2); c.1509+2del (NM_012222.3); c.1518+2del (NM_001128425.2); and 6 more.
Identifiers: ClinVar variation 1483650 (VCV001483650.8), dbSNP rs2149102703, ClinGen allele CA2573131991.
Genomic context (GRCh38, chr1:45,330,513, plus strand): 5'-TGACTAAAAACCTATGGACTCAGGCCTGGGGAGACACGGTTGGGAGAGGCCTAGGAGACT[TA>T]CCATACAGGTCCCTGGCTGTTGGCCCTGATACACACGGAAAACCTAGACAAGAAGACAGG-3'

ClinVar aggregate classification (germline): Likely pathogenic. Review status: criteria provided, multiple submitters, no conflicts (2 of 4 stars). 2 submissions from 2 submitters: Likely pathogenic (2). Last evaluated 2023-08-15.

Conditions:
Hereditary cancer-predisposing syndrome. Also called: Tumor predisposition; Neoplastic Syndromes, Hereditary; Hereditary Cancer Syndrome; Hereditary neoplastic syndrome. Identifiers: Orphanet 140162, MedGen C0027672, MeSH D009386, MONDO:0015356.
Familial adenomatous polyposis 2. Also called: MYH-associated polyposis; Adenomas, multiple colorectal; COLORECTAL ADENOMATOUS POLYPOSIS, AUTOSOMAL RECESSIVE; ADENOMAS, MULTIPLE COLORECTAL, AUTOSOMAL RECESSIVE; FAP type 2; MUTYH Polyposis. Identifiers: Orphanet 220460, Orphanet 247798, MedGen C3272841, MONDO:0012041, OMIM 608456.

Submissions (2):

Ambry Genetics
Classification: Likely pathogenic for Hereditary cancer-predisposing syndrome. Last evaluated: 2023-08-15. Review status: criteria provided, single submitter. Criteria: Ambry Variant Classification Scheme 2023. Collection method: clinical testing. Allele origin: germline.
Comment: The c.1518+2delT intronic variant, located in intron 15 of the MUTYH gene, results from a deletion of one nucleotide within intron 15 of the MUTYH gene. Alterations that disrupt the canonical splice site are expected to result in aberrant splicing. In silico splice site analysis predicts that this alteration will weaken the native splice donor site. The resulting transcript is predicted to be in-frame and is not expected to trigger nonsense-mediated mRNAdecay; however, direct evidence is unavailable. The exact functional effect of the altered amino acid sequence is unknown; however, the impacted region is critical for protein function (Ambry internal data). This variant is considered to be rare based on population cohorts in the Genome Aggregation Database (gnomAD). This nucleotide position is highly conserved in available vertebrate species. Based on the majority of available evidence to date, this variant is likely to be pathogenic.

Labcorp Genetics (formerly Invitae), Labcorp
Classification: Likely pathogenic for Familial adenomatous polyposis 2. Last evaluated: 2023-02-18. Review status: criteria provided, single submitter. Criteria: Invitae Variant Classification Sherloc (09022015). Collection method: clinical testing. Allele origin: germline.
Comment: This sequence change affects a splice site in intron 15 of the MUTYH gene. It is expected to disrupt RNA splicing. Variants that disrupt the donor or acceptor splice site typically lead to a loss of protein function (PMID: 16199547), and loss-of-function variants in MUTYH are known to be pathogenic (PMID: 18534194, 20663686). In summary, the currently available evidence indicates that the variant is pathogenic, but additional data are needed to prove that conclusively. Therefore, this variant has been classified as Likely Pathogenic. Algorithms developed to predict the effect of sequence changes on RNA splicing suggest that this variant may disrupt the consensus splice site. ClinVar contains an entry for this variant (Variation ID: 1483650). This variant has not been reported in the literature in individuals affected with MUTYH-related conditions. This variant is not present in population databases (gnomAD no frequency).

Literature cited by the submitters: PubMed 16199547 (cited by Labcorp Genetics (formerly Invitae), Labcorp); PubMed 18534194 (cited by Labcorp Genetics (formerly Invitae), Labcorp); PubMed 20663686 (cited by Labcorp Genetics (formerly Invitae), Labcorp).